The following is an entry in ClinVar:

NM_002454.3(MTRR):c.283+1_283+20del

Gene: MTRR (5-methyltetrahydrofolate-homocysteine methyltransferase reductase; plus strand). Cytogenetic location: 5p15.31.
Variant type: Deletion.
Coding change: c.283+1_283+20del on transcript NM_002454.3 (MANE Select); the canonical splice donor site of the intron after coding-DNA position 283 through 20 bases into the intron after coding-DNA position 283, 20 bases deleted (GTAATGGACTCTCTCTTCTG).
Molecular consequence: splice donor variant.
Genome position (GRCh38, 1-based): chr5:7,873,527-7,873,546, GTAATGGACTCTCTCTTCTG deleted; deleting any 20 consecutive bases within chr5:7,873,526-7,873,546 gives the same sequence; the c. name uses the placement nearest the transcript's 3' end. VCF-style (leftmost placement, unchanged base first): chr5-7873525-GGGTAATGGACTCTCTCTTCT-G. GRCh37 (hg19) VCF-style: chr5-7873638-GGGTAATGGACTCTCTCTTCT-G.
Other names: c.283+1_283+20del (NM_001364440.2, NM_001364441.2, NM_001364442.2 and 1 more transcripts).
Identifiers: ClinVar variation 936122 (VCV000936122.8), dbSNP rs1748371268, ClinGen allele CA1139658736.

ClinVar aggregate classification (germline): Likely pathogenic (1 of 4 stars; one submission).

Conditions:
Methylcobalamin deficiency type cblE (HMAE). Also called: HOMOCYSTINURIA-MEGALOBLASTIC ANEMIA, cblE COMPLEMENTATION TYPE; VITAMIN B12-RESPONSIVE HOMOCYSTINURIA, cblE TYPE; HOMOCYSTINURIA-MEGALOBLASTIC ANEMIA, cblE TYPE. Identifiers: Orphanet 2169, Orphanet 622, MedGen C1856057, MONDO:0009354, OMIM 236270.

Submission:

Labcorp Genetics (formerly Invitae), Labcorp
Classification: Likely pathogenic for Methylcobalamin deficiency type cblE. Last evaluated: 2023-12-14. Review status: criteria provided, single submitter. Criteria: Invitae Variant Classification Sherloc (09022015). Collection method: clinical testing. Allele origin: germline.
Comment: This sequence change affects a splice site in intron 3 of the MTRR gene. It is expected to disrupt RNA splicing. Variants that disrupt the donor or acceptor splice site typically lead to a loss of protein function (PMID: 16199547), and loss-of-function variants in MTRR are known to be pathogenic (PMID: 15714522). This variant is not present in population databases (gnomAD no frequency). This variant has not been reported in the literature in individuals affected with MTRR-related conditions. ClinVar contains an entry for this variant (Variation ID: 936122). Experimental studies and prediction algorithms are not available or were not evaluated, and the functional significance of this variant is currently unknown. In summary, the currently available evidence indicates that the variant is pathogenic, but additional data are needed to prove that conclusively. Therefore, this variant has been classified as Likely Pathogenic.

Literature cited by the submitters: PubMed 16199547; PubMed 15714522.